The following is an entry in ClinVar:

NM_002471.4(MYH6):c.4012G>A (p.Ala1338Thr)

Gene: MYH6 (myosin heavy chain 6; minus strand). Cytogenetic location: 14q11.2.
Variant type: single nucleotide variant.
Coding change: c.4012G>A on transcript NM_002471.4 (MANE Select); coding-DNA position 4012, G replaced by A.
Protein change: p.Ala1338Thr; replaces alanine 1338 with threonine.
Molecular consequence: missense variant.
Genome position (GRCh38, 1-based): chr14:23,389,022, C>T on the plus strand (G>A on the coding strand, the complement: MYH6 is on the minus strand). VCF-style: chr14-23389022-C-T. GRCh37 (hg19) VCF-style: chr14-23858231-C-T.
Other names: short protein forms A1338T.
Identifiers: ClinVar variation 4707934 (VCV004707934.1).

ClinVar aggregate classification (germline): Uncertain significance (1 of 4 stars; one submission).

Conditions:
Hypertrophic cardiomyopathy 14. Identifiers: MedGen C2750467, MONDO:0013197, OMIM 613251.

Submission:

Labcorp Genetics (formerly Invitae), Labcorp
Classification: Uncertain significance for Hypertrophic cardiomyopathy 14. Last evaluated: 2025-05-06. Review status: criteria provided, single submitter. Criteria: Invitae Variant Classification Sherloc (09022015). Collection method: clinical testing. Allele origin: germline.
Comment: This sequence change replaces alanine, which is neutral and non-polar, with threonine, which is neutral and polar, at codon 1338 of the MYH6 protein (p.Ala1338Thr). This variant is present in population databases (no rsID available, gnomAD 0.007%). This variant has not been reported in the literature in individuals affected with MYH6-related conditions. Invitae Evidence Modeling of protein sequence and biophysical properties (such as structural, functional, and spatial information, amino acid conservation, physicochemical variation, residue mobility, and thermodynamic stability) indicates that this missense variant is not expected to disrupt MYH6 protein function with a negative predictive value of 80%. In summary, the available evidence is currently insufficient to determine the role of this variant in disease. Therefore, it has been classified as a Variant of Uncertain Significance.